The following is an entry in ClinVar:

NM_007373.4(SHOC2):c.755A>G (p.His252Arg)

Gene: SHOC2 (SHOC2 leucine rich repeat scaffold protein; plus strand). Cytogenetic location: 10q25.2.
Variant type: single nucleotide variant.
Coding change: c.755A>G on transcript NM_007373.4 (MANE Select); coding-DNA position 755, A replaced by G.
Protein change: p.His252Arg; replaces histidine 252 with arginine.
Molecular consequence: missense variant. On other transcripts: non-coding transcript variant (1), intron variant (1).
Genome position (GRCh38, 1-based): chr10:110,985,679, A>G. VCF-style: chr10-110985679-A-G. GRCh37 (hg19) VCF-style: chr10-112745437-A-G.
Other names: c.755A>G, p.His252Arg (NM_001324336.2, NM_001324337.2); c.704-14736A>G (NM_001269039.3); short protein forms H252R.
Identifiers: ClinVar variation 1759504 (VCV001759504.2), dbSNP rs2493891101, ClinGen allele CA378391412.

ClinVar aggregate classification (germline): Uncertain significance (1 of 4 stars; one submission).

Conditions:
Cardiovascular phenotype. Identifiers: MedGen CN230736.

Allele frequency attached by ClinVar (database versions not stated): gnomAD exomes below 0.00001.
gnomAD v4.1: 2 of 1,612,436 alleles (0.00012%); highest among the groups gnomAD compares: Non-Finnish European, 0.00017%; no homozygotes.

Submission:

Ambry Genetics
Classification: Uncertain significance for Cardiovascular phenotype. Last evaluated: 2021-12-02. Review status: criteria provided, single submitter. Criteria: Ambry Variant Classification Scheme 2023. Collection method: clinical testing. Allele origin: germline.
Comment: The p.H252R variant (also known as c.755A>G), located in coding exon 2 of the SHOC2 gene, results from an A to G substitution at nucleotide position 755. The histidine at codon 252 is replaced by arginine, an amino acid with highly similar properties. This amino acid position is conserved. In addition, the in silico prediction for this alteration is inconclusive. Since supporting evidence is limited at this time, the clinical significance of this alteration remains unclear.